The following is an entry in ClinVar:

ClinVar aggregate classification (germline): Pathogenic (1 of 4 stars; one submission).

Conditions:
GLUT1 deficiency syndrome 1, autosomal recessive. Identifiers: MedGen C3149117.

Submission:

Labcorp Genetics (formerly Invitae), Labcorp
Classification: Pathogenic for GLUT1 deficiency syndrome 1, autosomal recessive. Last evaluated: 2023-07-14. Review status: criteria provided, single submitter. Criteria: Invitae Variant Classification Sherloc (09022015). Collection method: clinical testing. Allele origin: germline.
Comment: This variant is not present in population databases (gnomAD no frequency). For these reasons, this variant has been classified as Pathogenic. This variant disrupts a region of the SLC2A1 protein in which other variant(s) (p.Pro485Leu) have been determined to be pathogenic (PMID: 18387950, 19237265, 20129935, 30197081, 32802945). This suggests that this is a clinically significant region of the protein, and that variants that disrupt it are likely to be disease-causing. ClinVar contains an entry for this variant (Variation ID: 538682). This variant has not been reported in the literature in individuals affected with SLC2A1-related conditions. This sequence change results in a frameshift in the SLC2A1 gene (p.Glu393Aspfs*115). While this is not anticipated to result in nonsense mediated decay, it is expected to disrupt the last 100 amino acid(s) of the SLC2A1 protein and extend the protein by 14 additional amino acid residues.

Literature cited by the submitters: PubMed 18387950; PubMed 19237265; PubMed 20129935; PubMed 30197081; PubMed 32802945.

NM_006516.4(SLC2A1):c.1179del (p.Glu393fs)

Gene: SLC2A1 (solute carrier family 2 member 1; minus strand). Cytogenetic location: 1p34.2.
Variant type: Deletion.
Coding change: c.1179del on transcript NM_006516.4 (MANE Select); coding-DNA position 1179, one base deleted (A; older notation c.1179delA).
Protein change: p.Glu393fs; shifts the reading frame from glutamic acid 393.
Molecular consequence: frameshift variant.
Genome position (GRCh38, 1-based): chr1:42,927,704, T deleted on the plus strand (A on the coding strand, the reverse complement: SLC2A1 is on the minus strand); the first of 2 consecutive T bases (chr1:42,927,704-42,927,705); deleting either gives the same sequence. VCF-style (leftmost placement, unchanged base first): chr1-42927703-GT-G. GRCh37 (hg19) VCF-style: chr1-43393374-GT-G.
Other names: short protein forms E393fs.
Identifiers: ClinVar variation 538682 (VCV000538682.9), dbSNP rs1553155887, ClinGen allele CA658795437.
Genomic context (GRCh38, chr1:42,927,703, plus strand): 5'-AGGTCCAGTTGGAGAAGCCTGCAACGGCAATGGCAGCTGGACGTGGACCCTGGCTGAAGA[GT>G]TCAGCCACGATGAACCATGGGATGGGGCCAGGACCCACTTCAAAGAAGGCCACAAAGCCA-3'